The following is an entry in ClinVar:

NM_181711.4(TAMALIN):c.1084G>A (p.Gly362Ser)

Gene: TAMALIN (trafficking regulator and scaffold protein tamalin; plus strand). Cytogenetic location: 12q13.13.
Variant type: single nucleotide variant.
Coding change: c.1084G>A on transcript NM_181711.4 (MANE Select); coding-DNA position 1084, G replaced by A.
Protein change: p.Gly362Ser; replaces glycine 362 with serine.
Molecular consequence: missense variant.
Genome position (GRCh38, 1-based): chr12:52,015,095, G>A. VCF-style: chr12-52015095-G-A. GRCh37 (hg19) VCF-style: chr12-52408879-G-A.
Other names: c.655G>A, p.Gly219Ser (NM_001271856.2); short protein forms G362S, G219S.
Identifiers: ClinVar variation 221938 (VCV000221938.12), dbSNP rs200789033, ClinGen allele CA072379.

ClinVar aggregate classification (germline): Benign/Likely benign. Review status: criteria provided, multiple submitters, no conflicts (2 of 4 stars). 3 submissions from 3 submitters: Benign (1); Likely benign (2). Last evaluated 2025-05-01.

Conditions:
Anophthalmia-microphthalmia syndrome. Also called: Anophthalmia/Microphthalmia; Anophthalmia - microphthalmia. Identifiers: Orphanet 98555, MedGen C5680330, MONDO:0020147.

Allele frequency attached by ClinVar (database versions not stated): 1000 Genomes Project 30x 0.00219; 1000 Genomes Project 0.00280; gnomAD 0.00700 and 0.00715; ESP Exome Variant Server 0.00504; TOPMed 0.00651.
gnomAD v4.1: 16,232 of 1,553,592 alleles (1%); highest among the groups gnomAD compares: Non-Finnish European, 1.2%; 105 homozygotes.

Submissions (3):

CeGaT Center for Human Genetics Tuebingen
Classification: Benign. Last evaluated: 2025-05-01. Review status: criteria provided, single submitter. Criteria: CeGaT Center For Human Genetics Tuebingen Variant Classification Criteria Version 2. Collection method: clinical testing. Allele origin: germline. Affected: yes. Observed: 1 variant allele.
Comment: TAMALIN: BS1, BS2

Paul Sabatier University EA-4555, Paul Sabatier University
Classification: Likely benign. Last evaluated: 2013-01-01. Review status: criteria provided, single submitter. Criteria: Chassaing et al. (Genome Res. 2016). Collection method: clinical testing. Allele origin: inherited. Affected: yes. Observed: 1 heterozygote.

Breakthrough Genomics
Classification: Likely benign. Review status: criteria provided, single submitter. Criteria: ACMG Guidelines, 2015. Collection method: not provided. Allele origin: germline. Inheritance: Unknown mechanism. Affected: yes.